The following is an entry in ClinVar:

ClinVar aggregate classification (germline): Uncertain significance. Review status: criteria provided, multiple submitters, no conflicts (2 of 4 stars). 2 submissions from 2 submitters: Uncertain significance (2). Last evaluated 2024-12-16.

Conditions:
Inborn genetic diseases. Identifiers: MedGen C0950123, MeSH D030342.

Submissions (2):

Ambry Genetics
Classification: Uncertain significance for Inborn genetic diseases. Last evaluated: 2024-12-16. Review status: criteria provided, single submitter. Criteria: Ambry Variant Classification Scheme 2023. Collection method: clinical testing. Allele origin: germline.
Comment: The c.3604C>A (p.R1202S) alteration is located in exon 17 (coding exon 17) of the CHD8 gene. This alteration results from a C to A substitution at nucleotide position 3604, causing the arginine (R) at amino acid position 1202 to be replaced by a serine (S). This variant was not reported in population-based cohorts in the Genome Aggregation Database (gnomAD). This amino acid position is highly conserved in available vertebrate species. This missense alteration is located in a region that has a low rate of benign missense variation (Lek, 2016; Firth, 2009). This alteration is predicted to be deleterious by in silico analysis. Based on insufficient or conflicting evidence, the clinical significance of this alteration remains unclear.

GeneDx
Classification: Uncertain significance. Last evaluated: 2022-12-09. Review status: criteria provided, single submitter. Criteria: GeneDx Variant Classification Process June 2021. Collection method: clinical testing. Allele origin: germline. Affected: yes.
Comment: Not observed in large population cohorts (gnomAD); In silico analysis supports that this missense variant has a deleterious effect on protein structure/function; Has not been previously published as pathogenic or benign to our knowledge

NM_001170629.2(CHD8):c.3604C>A (p.Arg1202Ser)

Gene: CHD8 (chromodomain helicase DNA binding protein 8; minus strand). Cytogenetic location: 14q11.2.
Variant type: single nucleotide variant.
Coding change: c.3604C>A on transcript NM_001170629.2 (MANE Select); coding-DNA position 3604, C replaced by A.
Protein change: p.Arg1202Ser; replaces arginine 1202 with serine.
Molecular consequence: missense variant.
Genome position (GRCh38, 1-based): chr14:21,403,127, G>T on the plus strand (C>A on the coding strand, the complement: CHD8 is on the minus strand). VCF-style: chr14-21403127-G-T. GRCh37 (hg19) VCF-style: chr14-21871286-G-T.
Other names: c.2767C>A, p.Arg923Ser (NM_020920.4); short protein forms R1202S, R923S.
Identifiers: ClinVar variation 1803694 (VCV001803694.3), dbSNP rs2501900835, ClinGen allele CA388900006.